The following is an entry in ClinVar:

ClinVar aggregate classification (germline): Uncertain significance (1 of 4 stars; one submission).

Conditions:
RASopathy. Also called: rasopathies; Noonan spectrum disorder. Identifiers: Orphanet 536391, MedGen C5555857, MONDO:0021060.

Submission:

Labcorp Genetics (formerly Invitae), Labcorp
Classification: Uncertain significance for RASopathy. Last evaluated: 2021-11-13. Review status: criteria provided, single submitter. Criteria: Invitae Variant Classification Sherloc (09022015). Collection method: clinical testing. Allele origin: germline.
Comment: In summary, the available evidence is currently insufficient to determine the role of this variant in disease. Therefore, it has been classified as a Variant of Uncertain Significance. Advanced modeling of protein sequence and biophysical properties (such as structural, functional, and spatial information, amino acid conservation, physicochemical variation, residue mobility, and thermodynamic stability) performed at Invitae indicates that this missense variant is not expected to disrupt SOS1 protein function. This variant has not been reported in the literature in individuals affected with SOS1-related conditions. This variant is not present in population databases (gnomAD no frequency). This sequence change replaces serine, which is neutral and polar, with leucine, which is neutral and non-polar, at codon 234 of the SOS1 protein (p.Ser234Leu).

NM_005633.4(SOS1):c.701C>T (p.Ser234Leu)

Gene: SOS1 (SOS Ras/Rac guanine nucleotide exchange factor 1; minus strand). Cytogenetic location: 2p22.1.
Variant type: single nucleotide variant.
Coding change: c.701C>T on transcript NM_005633.4 (MANE Select); coding-DNA position 701, C replaced by T.
Protein change: p.Ser234Leu; replaces serine 234 with leucine.
Molecular consequence: missense variant.
Genome position (GRCh38, 1-based): chr2:39,054,633, G>A on the plus strand (C>T on the coding strand, the complement: SOS1 is on the minus strand). VCF-style: chr2-39054633-G-A. GRCh37 (hg19) VCF-style: chr2-39281774-G-A.
Other names: c.680C>T, p.Ser227Leu (NM_001382394.1); c.701C>T, p.Ser234Leu (NM_001382395.1); short protein forms S227L, S234L.
Identifiers: ClinVar variation 1464887 (VCV001464887.6), dbSNP rs2124603499, ClinGen allele CA346372942.